The following is an entry in ClinVar:

NM_001367549.1(ATP13A3):c.3421C>G (p.Gln1141Glu)

Gene: ATP13A3 (ATPase 13A3; minus strand). Cytogenetic location: 3q29.
Variant type: single nucleotide variant.
Coding change: c.3421C>G on transcript NM_001367549.1 (MANE Select); coding-DNA position 3421, C replaced by G.
Protein change: p.Gln1141Glu; replaces glutamine 1141 with glutamic acid.
Molecular consequence: missense variant. On other transcripts: non-coding transcript variant (2).
Genome position (GRCh38, 1-based): chr3:194,413,821, G>C on the plus strand (C>G on the coding strand, the complement: ATP13A3 is on the minus strand). VCF-style: chr3-194413821-G-C. GRCh37 (hg19) VCF-style: chr3-194134550-G-C.
Other names: c.3340C>G, p.Gln1114Glu (NM_001374836.1); c.3421C>G, p.Gln1141Glu (NM_024524.4); short protein forms Q1114E, Q1141E.
Identifiers: ClinVar variation 2777739 (VCV002777739.3), dbSNP rs2474133692, ClinGen allele CA355796605.

ClinVar aggregate classification (germline): Uncertain significance (1 of 4 stars; one submission).

Allele frequency attached by ClinVar (database versions not stated): gnomAD exomes below 0.00001.
gnomAD v4.1: 4 of 1,613,746 alleles (0.00025%); highest among the groups gnomAD compares: Non-Finnish European, 0.00034%; no homozygotes.

Submission:

Labcorp Genetics (formerly Invitae), Labcorp
Classification: Uncertain significance. Last evaluated: 2023-01-13. Review status: criteria provided, single submitter. Criteria: Invitae Variant Classification Sherloc (09022015). Collection method: clinical testing. Allele origin: germline.
Comment: This sequence change replaces glutamine, which is neutral and polar, with glutamic acid, which is acidic and polar, at codon 1141 of the ATP13A3 protein (p.Gln1141Glu). This variant is not present in population databases (gnomAD no frequency). This variant has not been reported in the literature in individuals affected with ATP13A3-related conditions. Algorithms developed to predict the effect of missense changes on protein structure and function output the following: SIFT: "Tolerated"; PolyPhen-2: "Benign"; Align-GVGD: "Class C0". The glutamic acid amino acid residue is found in multiple mammalian species, which suggests that this missense change does not adversely affect protein function. In summary, the available evidence is currently insufficient to determine the role of this variant in disease. Therefore, it has been classified as a Variant of Uncertain Significance.